The following is an entry in ClinVar:

NM_005228.5(EGFR):c.2061+4A>G

Gene: EGFR (epidermal growth factor receptor; plus strand). Cytogenetic location: 7p11.2.
Variant type: single nucleotide variant.
Coding change: c.2061+4A>G on transcript NM_005228.5 (MANE Select); 4 bases into the intron after coding-DNA position 2061, A replaced by G.
Molecular consequence: intron variant.
Genome position (GRCh38, 1-based): chr7:55,173,128, A>G. VCF-style: chr7-55173128-A-G. GRCh37 (hg19) VCF-style: chr7-55240821-A-G.
Other names: c.1926+4A>G (NM_001346899.2, NM_001346897.2); c.1260+4A>G (NM_001346941.2); c.2061+4A>G (NM_001346898.2); c.1902+4A>G (NM_001346900.2).
Identifiers: ClinVar variation 3721432 (VCV003721432.2).
Genomic context (GRCh38, chr7:55,173,128, plus strand): 5'-CGAAGGCGCCACATCGTTCGGAAGCGCACGCTGCGGAGGCTGCTGCAGGAGAGGGAGGTG[A>G]GTGCCAGTCCTGGGTGGGCTCAGGAGCCCTCGCACCCCGACAGGAACAAGGGCCAGCCCC-3'

ClinVar aggregate classification (germline): Uncertain significance (1 of 4 stars; one submission).

Conditions:
EGFR-related lung cancer (EGFR). Identifiers: MedGen CN130014.

Submission:

Labcorp Genetics (formerly Invitae), Labcorp
Classification: Uncertain significance for EGFR-related lung cancer. Last evaluated: 2024-09-24. Review status: criteria provided, single submitter. Criteria: Invitae Variant Classification Sherloc (09022015). Collection method: clinical testing. Allele origin: germline.
Comment: This sequence change falls in intron 17 of the EGFR gene. It does not directly change the encoded amino acid sequence of the EGFR protein. It affects a nucleotide within the consensus splice site. This variant is not present in population databases (gnomAD no frequency). This variant has not been reported in the literature in individuals affected with EGFR-related conditions. Variants that disrupt the consensus splice site are a relatively common cause of aberrant splicing (PMID: 17576681, 9536098). Algorithms developed to predict the effect of sequence changes on RNA splicing suggest that this variant is not likely to affect RNA splicing. In summary, the available evidence is currently insufficient to determine the role of this variant in disease. Therefore, it has been classified as a Variant of Uncertain Significance.

Literature cited by the submitters: PubMed 17576681; PubMed 9536098.